The following is an entry in ClinVar:

NM_002317.7(LOX):c.308G>C (p.Arg103Pro)

Genes: LOX (lysyl oxidase; minus strand), SRFBP1 (serum response factor binding protein 1; plus strand). Cytogenetic location: 5q23.1.
Variant type: single nucleotide variant.
Coding change: c.308G>C on transcript NM_002317.7 (MANE Select); coding-DNA position 308, G replaced by C.
Protein change: p.Arg103Pro; replaces arginine 103 with proline.
Molecular consequence: missense variant.
Genome position (GRCh38, 1-based): chr5:122,077,678, C>G on the plus strand (G>C on the coding strand, the complement: LOX is on the minus strand). VCF-style: chr5-122077678-C-G. GRCh37 (hg19) VCF-style: chr5-121413373-C-G.
Other names: short protein forms R103P.
Identifiers: ClinVar variation 723122 (VCV000723122.16), dbSNP rs200513395, ClinGen allele CA3384069.

ClinVar aggregate classification (germline): Benign/Likely benign. Review status: criteria provided, multiple submitters, no conflicts (2 of 4 stars). 5 submissions from 5 submitters: Benign (2); Likely benign (2). 1 of the submissions does not count toward it. Last evaluated 2025-11-24.

Conditions:
LOX-related disorder. Also called: LOX-related disorders; LOX-related condition.
Cardiovascular phenotype. Identifiers: MedGen CN230736.

Allele frequency attached by ClinVar (database versions not stated): gnomAD 0.00015 and 0.00022; gnomAD exomes 0.00016 and 0.00020; TOPMed 0.00017; ExAC 0.00044; 1000 Genomes Project 30x 0.00094; 1000 Genomes Project 0.00100.
gnomAD v4.1: 271 of 1,601,604 alleles (0.017%); highest among the groups gnomAD compares: East Asian, 0.57%; no homozygotes.

Submissions (5):

Labcorp Genetics (formerly Invitae), Labcorp
Classification: Benign. Last evaluated: 2025-11-24. Review status: criteria provided, single submitter. Criteria: Invitae Variant Classification Sherloc (09022015). Collection method: clinical testing. Allele origin: germline.

Ambry Genetics
Classification: Benign for Cardiovascular phenotype. Last evaluated: 2025-02-05. Review status: criteria provided, single submitter. Criteria: Ambry Variant Classification Scheme 2023. Collection method: clinical testing. Allele origin: germline.

Women's Health and Genetics/Laboratory Corporation of America, LabCorp
Classification: Likely benign. Last evaluated: 2023-07-21. Review status: criteria provided, single submitter. Criteria: LabCorp Variant Classification Summary - May 2015. Collection method: clinical testing. Allele origin: germline.

GeneDx
Classification: Likely benign. Last evaluated: 2021-04-29. Review status: criteria provided, single submitter. Criteria: GeneDx Variant Classification Process June 2021. Collection method: clinical testing. Allele origin: germline. Affected: yes.

PreventionGenetics, part of Exact Sciences
Classification: Likely benign for LOX-related condition. Last evaluated: 2020-05-01. Review status: no assertion criteria provided. Collection method: clinical testing. Allele origin: germline. Not counted in ClinVar's aggregate classification.
Comment: This variant is classified as likely benign based on ACMG/AMP sequence variant interpretation guidelines (Richards et al. 2015 PMID: 25741868, with internal and published modifications).